The following is an entry in ClinVar:

ClinVar aggregate classification (germline): Uncertain significance (1 of 4 stars; one submission).

gnomAD v4.1: 3 of 1,277,928 alleles (0.00023%); highest among the groups gnomAD compares: Non-Finnish European, 0.00034%; no homozygotes.

Submission:

Labcorp Genetics (formerly Invitae), Labcorp
Classification: Uncertain significance. Last evaluated: 2024-11-28. Review status: criteria provided, single submitter. Criteria: Invitae Variant Classification Sherloc (09022015). Collection method: clinical testing. Allele origin: germline.
Comment: This sequence change falls in intron 17 of the KIF2A gene. It does not directly change the encoded amino acid sequence of the KIF2A protein. This variant is present in population databases (no rsID available, gnomAD 0.01%). This variant has not been reported in the literature in individuals affected with KIF2A-related conditions. Algorithms developed to predict the effect of sequence changes on RNA splicing suggest that this variant may create or strengthen a splice site. In summary, the available evidence is currently insufficient to determine the role of this variant in disease. Therefore, it has been classified as a Variant of Uncertain Significance.

NM_001098511.3(KIF2A):c.1760+19A>G

Gene: KIF2A (kinesin family member 2A; plus strand). Cytogenetic location: 5q12.1.
Variant type: single nucleotide variant.
Coding change: c.1760+19A>G on transcript NM_001098511.3 (MANE Select); 19 bases into the intron after coding-DNA position 1760, A replaced by G.
Molecular consequence: intron variant.
Genome position (GRCh38, 1-based): chr5:62,372,570, A>G. VCF-style: chr5-62372570-A-G. GRCh37 (hg19) VCF-style: chr5-61668397-A-G.
Other names: c.1566-1117A>G (NM_001243952.2); c.1647-1117A>G (NM_004520.5); c.1590-1117A>G (NM_001243953.2).
Identifiers: ClinVar variation 3699619 (VCV003699619.2).
Genomic context (GRCh38, chr5:62,372,570, plus strand): 5'-TCCTTCTTATGAATATGACGACTTTTCTCCTTCAGTTACCAGGTCTACTTCATTCTATAC[A>G]TAAGATGTTTATTTGTATACTTTCTTTTGAATTGTGCTTTGTATAAACATTTCATTTGCT-3'